The following is an entry in ClinVar:

NM_001005361.3(DNM2):c.1196+669A>C

Gene: DNM2 (dynamin 2; plus strand). Cytogenetic location: 19p13.2.
Variant type: single nucleotide variant.
Coding change: c.1196+669A>C on transcript NM_001005361.3 (MANE Select); 669 bases into the intron after coding-DNA position 1196, A replaced by C.
Molecular consequence: intron variant. On other transcripts: missense variant (3).
Genome position (GRCh38, 1-based): chr19:10,796,108, A>C. VCF-style: chr19-10796108-A-C. GRCh37 (hg19) VCF-style: chr19-10906784-A-C.
Other names: c.1244A>C, p.Lys415Thr (NM_001190716.2, NM_004945.4, NM_001005360.3); c.1196+669A>C (NM_001005362.3); short protein forms K415T.
Identifiers: ClinVar variation 4709765 (VCV004709765.1).

ClinVar aggregate classification (germline): Uncertain significance (1 of 4 stars; one submission).

Conditions:
Charcot-Marie-Tooth disease dominant intermediate B (CMTDIB). Also called: Charcot-Marie-Tooth disease dominant intermediate 1; CMT DI1; Charcot-Marie-Tooth disease dominant intermediate I; CHARCOT-MARIE-TOOTH NEUROPATHY, DOMINANT INTERMEDIATE B. Identifiers: Orphanet 100044, Orphanet 228179, MedGen C1847902, MONDO:0011674, OMIM 606482.

Submission:

Labcorp Genetics (formerly Invitae), Labcorp
Classification: Uncertain significance for Charcot-Marie-Tooth disease dominant intermediate B. Last evaluated: 2025-05-05. Review status: criteria provided, single submitter. Criteria: Invitae Variant Classification Sherloc (09022015). Collection method: clinical testing. Allele origin: germline.
Comment: This sequence change replaces lysine, which is basic and polar, with threonine, which is neutral and polar, at codon 415 of the DNM2 protein (p.Lys415Thr). This variant is not present in population databases (gnomAD no frequency). This variant has not been reported in the literature in individuals affected with DNM2-related conditions. Invitae Evidence Modeling of protein sequence and biophysical properties (such as structural, functional, and spatial information, amino acid conservation, physicochemical variation, residue mobility, and thermodynamic stability) has been performed for this missense variant. However, the output from this modeling did not meet the statistical confidence thresholds required to predict the impact of this variant on DNM2 protein function. In summary, the available evidence is currently insufficient to determine the role of this variant in disease. Therefore, it has been classified as a Variant of Uncertain Significance.